The following is an entry in ClinVar:

NM_001372.4(DNAH9):c.12452C>T (p.Pro4151Leu)

Gene: DNAH9 (dynein axonemal heavy chain 9; plus strand). Cytogenetic location: 17p12.
Variant type: single nucleotide variant.
Coding change: c.12452C>T on transcript NM_001372.4 (MANE Select); coding-DNA position 12452, C replaced by T.
Protein change: p.Pro4151Leu; replaces proline 4151 with leucine.
Molecular consequence: missense variant.
Genome position (GRCh38, 1-based): chr17:11,934,034, C>T. VCF-style: chr17-11934034-C-T. GRCh37 (hg19) VCF-style: chr17-11837351-C-T.
Other names: c.1388C>T, p.Pro463Leu (NM_004662.2); short protein forms P4151L, P463L.
Identifiers: ClinVar variation 2420800 (VCV002420800.6), dbSNP rs765077631, ClinGen allele CA8398155.

ClinVar aggregate classification (germline): Uncertain significance (1 of 4 stars; one submission).

Allele frequency attached by ClinVar (database versions not stated): gnomAD exomes 0.00001; TOPMed 0.00001; ExAC 0.00002.
gnomAD v4.1: 3 of 1,614,106 alleles (0.00019%); highest among the groups gnomAD compares: Admixed American, 0.005%; no homozygotes.

Submission:

Labcorp Genetics (formerly Invitae), Labcorp
Classification: Uncertain significance. Last evaluated: 2022-01-20. Review status: criteria provided, single submitter. Criteria: Invitae Variant Classification Sherloc (09022015). Collection method: clinical testing. Allele origin: germline.
Comment: This sequence change replaces proline, which is neutral and non-polar, with leucine, which is neutral and non-polar, at codon 4151 of the DNAH9 protein (p.Pro4151Leu). This variant is present in population databases (rs765077631, gnomAD 0.009%). This variant has not been reported in the literature in individuals affected with DNAH9-related conditions. Algorithms developed to predict the effect of missense changes on protein structure and function output the following: SIFT: "Deleterious"; PolyPhen-2: "Benign"; Align-GVGD: "Class C0". The leucine amino acid residue is found in multiple mammalian species, which suggests that this missense change does not adversely affect protein function. In summary, the available evidence is currently insufficient to determine the role of this variant in disease. Therefore, it has been classified as a Variant of Uncertain Significance.